The following is an entry in ClinVar:

ClinVar aggregate classification (germline): Uncertain significance. Review status: criteria provided, multiple submitters, no conflicts (2 of 4 stars). 4 submissions from 4 submitters: Uncertain significance (4). Last evaluated 2024-10-14.

Conditions:
Inborn genetic diseases. Identifiers: MedGen C0950123, MeSH D030342.

Allele frequency attached by ClinVar (database versions not stated): TOPMed 0.00002; gnomAD 0.00003 and 0.00004.
gnomAD v4.1: 62 of 1,613,796 alleles (0.0038%); highest among the groups gnomAD compares: Non-Finnish European, 0.0041%; no homozygotes.

Submissions (4):

Blueprint Genetics
Classification: Uncertain significance. Last evaluated: 2024-10-14. Review status: criteria provided, single submitter. Criteria: ACMG Guidelines, 2015. Collection method: clinical testing. Allele origin: germline.

Ambry Genetics
Classification: Uncertain significance for Inborn genetic diseases. Last evaluated: 2024-02-21. Review status: criteria provided, single submitter. Criteria: Ambry Variant Classification Scheme 2023. Collection method: clinical testing. Allele origin: germline.

Labcorp Genetics (formerly Invitae), Labcorp
Classification: Uncertain significance. Last evaluated: 2023-10-13. Review status: criteria provided, single submitter. Criteria: Invitae Variant Classification Sherloc (09022015). Collection method: clinical testing. Allele origin: germline.
Comment: This sequence change replaces valine, which is neutral and non-polar, with leucine, which is neutral and non-polar, at codon 96 of the FOXRED1 protein (p.Val96Leu). This variant is present in population databases (rs772700388, gnomAD 0.02%). This variant has not been reported in the literature in individuals affected with FOXRED1-related conditions. ClinVar contains an entry for this variant (Variation ID: 806757). Advanced modeling of protein sequence and biophysical properties (such as structural, functional, and spatial information, amino acid conservation, physicochemical variation, residue mobility, and thermodynamic stability) has been performed at Invitae for this missense variant, however the output from this modeling did not meet the statistical confidence thresholds required to predict the impact of this variant on FOXRED1 protein function. In summary, the available evidence is currently insufficient to determine the role of this variant in disease. Therefore, it has been classified as a Variant of Uncertain Significance.

CeGaT Center for Human Genetics Tuebingen
Classification: Uncertain significance. Last evaluated: 2021-11-01. Review status: criteria provided, single submitter. Criteria: CeGaT Center For Human Genetics Tuebingen Variant Classification Criteria Version 2. Collection method: clinical testing. Allele origin: germline. Affected: yes. Observed: 2 variant alleles.

NM_017547.4(FOXRED1):c.286G>T (p.Val96Leu)

Gene: FOXRED1 (FAD dependent oxidoreductase domain containing 1; plus strand). Cytogenetic location: 11q24.2.
Variant type: single nucleotide variant.
Coding change: c.286G>T on transcript NM_017547.4 (MANE Select); coding-DNA position 286, G replaced by T.
Protein change: p.Val96Leu; replaces valine 96 with leucine.
Molecular consequence: missense variant. On other transcripts: non-coding transcript variant (1).
Genome position (GRCh38, 1-based): chr11:126,271,637, G>T. VCF-style: chr11-126271637-G-T. GRCh37 (hg19) VCF-style: chr11-126141532-G-T.
Other names: c.286G>T (NM_017547.3); short protein forms V96L.
Identifiers: ClinVar variation 806757 (VCV000806757.47), dbSNP rs772700388, ClinGen allele CA6354021.
Genomic context (GRCh38, chr11:126,271,637, plus strand): 5'-TTGTCTGTGGCCTATTGGCTGAAGAAGCTGGAGAGCAGACGAGGTGCTATTCGAGTGCTA[G>T]TGGTGGAACGGGACCACACGGTGAGGTCTGGGGTAGGGCAGAGTCATGAGTGGGGCAAGA-3'
Protein context (NP_060017.1, residues 86-106): ESRRGAIRVL[Val96Leu]VERDHTYSQA